The following is an entry in ClinVar:

NM_000540.3(RYR1):c.5806A>C (p.Lys1936Gln)

Gene: RYR1 (ryanodine receptor 1; plus strand). Cytogenetic location: 19q13.2.
Variant type: single nucleotide variant.
Coding change: c.5806A>C on transcript NM_000540.3 (MANE Select); coding-DNA position 5806, A replaced by C.
Protein change: p.Lys1936Gln; replaces lysine 1936 with glutamine.
Molecular consequence: missense variant.
Genome position (GRCh38, 1-based): chr19:38,489,435, A>C. VCF-style: chr19-38489435-A-C. GRCh37 (hg19) VCF-style: chr19-38980075-A-C.
Other names: c.5806A>C, p.Lys1936Gln (NM_001042723.2); short protein forms K1936Q.
Identifiers: ClinVar variation 2175632 (VCV002175632.4), dbSNP rs2514247161, ClinGen allele CA405660137.

ClinVar aggregate classification (germline): Uncertain significance (1 of 4 stars; one submission).

Conditions:
RYR1-related disorder. Also called: RYR1-related condition; RYR1-related disorders. Identifiers: MedGen CN239331.

Submission:

Labcorp Genetics (formerly Invitae), Labcorp
Classification: Uncertain significance for RYR1-related disorder. Last evaluated: 2022-05-05. Review status: criteria provided, single submitter. Criteria: Invitae Variant Classification Sherloc (09022015). Collection method: clinical testing. Allele origin: germline.
Comment: This sequence change replaces lysine, which is basic and polar, with glutamine, which is neutral and polar, at codon 1936 of the RYR1 protein (p.Lys1936Gln). This variant is not present in population databases (gnomAD no frequency). This variant has not been reported in the literature in individuals affected with RYR1-related conditions. Algorithms developed to predict the effect of missense changes on protein structure and function are either unavailable or do not agree on the potential impact of this missense change (SIFT: "Tolerated"; PolyPhen-2: "Possibly Damaging"; Align-GVGD: "Class C0"). In summary, the available evidence is currently insufficient to determine the role of this variant in disease. Therefore, it has been classified as a Variant of Uncertain Significance.